The following is an entry in ClinVar:

NM_001048174.2(MUTYH):c.233A>C (p.Gln78Pro)

Gene: MUTYH (mutY DNA glycosylase; minus strand). Cytogenetic location: 1p34.1.
Variant type: single nucleotide variant.
Coding change: c.233A>C on transcript NM_001048174.2 (MANE Select); coding-DNA position 233, A replaced by C.
Protein change: p.Gln78Pro; replaces glutamine 78 with proline.
Molecular consequence: missense variant. On other transcripts: 5 prime UTR variant (6), non-coding transcript variant (7).
Genome position (GRCh38, 1-based): chr1:45,333,444, T>G on the plus strand (A>C on the coding strand, the complement: MUTYH is on the minus strand). VCF-style: chr1-45333444-T-G. GRCh37 (hg19) VCF-style: chr1-45799116-T-G.
Other names: c.317A>C, p.Gln106Pro (NM_001128425.2); c.278A>C, p.Gln93Pro (NM_001293190.2); c.266A>C, p.Gln89Pro (NM_001293191.2, NM_001407077.1); c.-44A>C (NM_001293192.2, NM_001293196.2, NM_001407091.1); c.233A>C, p.Gln78Pro (NM_001293195.2, NM_001407070.1, NM_001407088.1 and 6 more transcripts); c.-39A>C (NM_001350650.2, NM_001350651.2, NM_001407082.1); c.308A>C, p.Gln103Pro (NM_001407069.1, NM_012222.3); c.236A>C, p.Gln79Pro (NM_001407071.1, NM_001407086.1, NM_001048172.2 and 2 more transcripts); and 3 more; short protein forms Q50P, Q79P, Q85P, Q89P, Q103P, Q106P, Q93P, Q78P.
Identifiers: ClinVar variation 4113596 (VCV004113596.1).

ClinVar aggregate classification (germline): Uncertain significance (1 of 4 stars; one submission).

Conditions:
Hereditary cancer-predisposing syndrome. Also called: Hereditary neoplastic syndrome; Neoplastic Syndromes, Hereditary; Tumor predisposition; Hereditary Cancer Syndrome. Identifiers: Orphanet 140162, MedGen C0027672, MeSH D009386, MONDO:0015356.

Submission:

Ambry Genetics
Classification: Uncertain significance for Hereditary cancer-predisposing syndrome. Last evaluated: 2025-08-27. Review status: criteria provided, single submitter. Criteria: Ambry Variant Classification Scheme 2023. Collection method: clinical testing. Allele origin: germline.
Comment: The p.Q106P variant (also known as c.317A>C), located in coding exon 3 of the MUTYH gene, results from an A to C substitution at nucleotide position 317. The glutamine at codon 106 is replaced by proline, an amino acid with similar properties. This amino acid position is conserved. In addition, the in silico prediction for this alteration is inconclusive. Based on the available evidence, the clinical significance of this variant remains unclear.